The following continues an entry in ClinVar:

NM_145239.3(PRRT2):c.649dup (p.Arg217fs)

ClinVar aggregate classification (germline): Pathogenic/Likely pathogenic. Pathogenic (76); Likely pathogenic (3).

Submissions 7 to 18 of 96:

PreventionGenetics, part of Exact Sciences
Classification: Pathogenic for PRRT2-related condition. Last evaluated: 2026-04-17. Review status: criteria provided, single submitter. Criteria: ACMG Guidelines, 2015. Collection method: clinical testing. Allele origin: germline.
Comment: The PRRT2 c.649dupC variant is predicted to result in a frameshift and premature protein termination (p.Arg217Profs*8). This variant has previously been reported to be causative for a broad range of autosomal dominant PRRT2-related phenotypes such as paroxysmal kinesigenic dyskinesia, familial hemiplegic migraine, benign familial infantile epilepsy (BFIE), and paroxysmal torticollis (Chen et al. 2011. PubMed ID: 22101681; Li et al. 2013. PubMed ID: 23535490; Ebrahimi-Fakhari et al. 2015. PubMed ID: 26598493; Zhao et al. 2018. PubMed ID: 29285950). In addition to variable expressivity, reduced penetrance is also documented for this gene (Ebrahimi-Fakhari et al. 1993. PubMed ID: 29334453). The c.649dup is the most common pathogenic variant reported in the PRRT2 gene. Note that this variant is within a mononucleotide repeat sequence and thus allele frequency estimates at this position in the gnomAD public population database may be inaccurate. In summary, we classify this variant as pathogenic.

Victorian Clinical Genetics Services, Murdoch Childrens Research Institute
Classification: Pathogenic for Self-limited familial infantile epilepsy. Last evaluated: 2026-04-10. Review status: criteria provided, single submitter. Criteria: ACMG Guidelines, 2015. Collection method: clinical testing. Allele origin: germline. Affected: yes.
Comment: This variant is classified as Pathogenic. Evidence in support of pathogenic classification: Variant is predicted to cause nonsense-mediated decay (NMD) and loss of protein (premature termination codon is located at least 54 nucleotides upstream of the final exon-exon junction); This variant has strong previous evidence of pathogenicity in unrelated individuals. This variant has been classified as pathogenic or likely pathogenic by multiple clinical laboratories (ClinVar). It has also been reported in unrelated individuals with PRRT2-related symptoms (PMID: 22101681, 26561923, 25502464); This variant has strong evidence for segregation with disease. This variant has been shown to segregate with disease in multiple unrelated families (PMIDs: 22101681, 25502464); Other NMD-predicted variants comparable to the one identified in this case have very strong previous evidence for pathogenicity (DECIPHER). Additional information: This variant is heterozygous; This gene is associated with autosomal dominant disease; Variant is present in gnomAD >=0.001 and <0.01 for a dominant condition (v4: 997 heterozygote(s), 0 homozygote(s)). It should be noted that this variant is in a low complexity region; Loss of function is a known mechanism of disease in this gene and is associated with familial infantile convulsions with paroxysmal choreoathetosis (MIM#602066), episodic kinesigenic dyskinesia 1 (MIM#128200), benign familial infantile seizures 2 (MIM#605751) and self-limited familial infantile epilepsy (MONDO:0100024), PRRT2-related; The condition associated with this gene has incomplete penetrance. Reduced penetrance has been reported for paroxysmal kinesigenic dyskinesia (PMID: 29334453); Variants in this gene are known to have variable expressivity. Variation in phenotype has been reported within and between families with the same pathogenic variant (PMID: 29334453).

Cytogénomique, Hospices Civils de Lyon
Classification: Pathogenic for Epilepsy. Last evaluated: 2026-03-20. Review status: criteria provided, single submitter. Criteria: ACMG Guidelines, 2015. Collection method: clinical testing. Allele origin: germline. Affected: yes.

Institute of Human Genetics, University of Leipzig Medical Center
Classification: Pathogenic for Paroxysmal nonkinesigenic dyskinesia 1. Last evaluated: 2026-03-19. Review status: criteria provided, single submitter. Criteria: ACMG Guidelines, 2015. Collection method: clinical testing. Allele origin: unknown. Inheritance: Autosomal dominant inheritance. Affected: yes.
Comment: Criteria applied: PVS1,PS4,PS3_SUP

Genetics Laboratory, Great Ormond Street Hospital NHS Foundation Trust, North Thames Genomic Laboratory Hub
Classification: Pathogenic for Paroxysmal central nervous system disorders. Last evaluated: 2026-02-09. Review status: criteria provided, single submitter. Criteria: ACGS Best Practice Guidelines for Variant Classification in Rare Disease 2024 v1.2. Collection method: clinical testing. Allele origin: germline. Affected: yes.
Comment: PS4_moderate, PVS1_very-strong, PS3_strong, PP1_strong, PM6_moderate

Labcorp Genetics (formerly Invitae), Labcorp
Classification: Pathogenic for Episodic kinesigenic dyskinesia. Last evaluated: 2026-02-02. Review status: criteria provided, single submitter. Criteria: Invitae Variant Classification Sherloc (09022015). Collection method: clinical testing. Allele origin: germline.
Comment: This sequence change creates a premature translational stop signal (p.Arg217Profs*8) in the PRRT2 gene. It is expected to result in an absent or disrupted protein product. Loss-of-function variants in PRRT2 are known to be pathogenic (PMID: 22623405, 22744660). The frequency data for this variant in the population databases is considered unreliable, as metrics indicate poor data quality at this position in the gnomAD database. This premature translational stop signal has been observed in individuals with infantile seizures and/or paroxysmal kinesigenic dyskinesia (PKD) (PMID: 22101681, 22870186, 22877996, 23299620, 25667652). It has also been observed to segregate with disease in related individuals. ClinVar contains an entry for this variant (Variation ID: 65758). For these reasons, this variant has been classified as Pathogenic.

Institute of Human Genetics, University of Leipzig Medical Center
Classification: Pathogenic for Episodic kinesigenic dyskinesia 1. Last evaluated: 2026-01-05. Review status: criteria provided, single submitter. Criteria: ACMG Guidelines, 2015. Collection method: clinical testing. Allele origin: unknown. Inheritance: Autosomal dominant inheritance. Affected: yes.
Comment: Criteria applied: PVS1,PS4,PS3_SUP

3billion
Classification: Pathogenic for PRRT2-related disorder. Last evaluated: 2025-12-18. Review status: criteria provided, single submitter. Criteria: ACMG Guidelines, 2015. Collection method: clinical testing. Allele origin: germline. Affected: yes.
Comment: The variant is observed in the gnomAD v4.1.0 dataset (total allele frequency: 0.066%). Predicted Consequence/Location: Frameshift: predicted to result in a loss or disruption of normal protein function through nonsense-mediated decay (NMD) or protein truncation. Multiple pathogenic variants are reported downstream of the variant. The variant has been observed in at least two similarly affected unrelated individuals (3billion dataset). The variant has been reported at least twice as pathogenic with clinical assertions and evidence for the classification (ClinVar ID: VCV000065758 /PMID: 22101681 /3billion dataset). Therefore, this variant is classified as Pathogenic according to the recommendation of ACMG/AMP guideline.

Medical and Scientific Branch, Hong Kong Genome Institute
Classification: Pathogenic for Episodic kinesigenic dyskinesia 1. Last evaluated: 2025-12-11. Review status: criteria provided, single submitter. Criteria: ACMG Guidelines, 2015. Collection method: clinical testing. Allele origin: germline. Affected: yes.

Mayo Clinic Laboratories, Mayo Clinic
Classification: Pathogenic. Last evaluated: 2025-10-21. Review status: criteria provided, single submitter. Criteria: ACMG Guidelines, 2015. Collection method: clinical testing. Allele origin: germline. Observed: 12 variant alleles.
Comment: PP1_strong, PM6, PS3, PVS1

Genesolutions, Medical Genetics Institutes, Ho Chi Minh City, Vietnam
Classification: Pathogenic for Infantile convulsions and choreoathetosis. Last evaluated: 2025-09-24. Review status: criteria provided, single submitter. Criteria: ACMG Guidelines, 2015. Collection method: clinical testing. Allele origin: germline. Affected: yes.

ARUP Laboratories, Molecular Genetics and Genomics, ARUP Laboratories
Classification: Pathogenic. Last evaluated: 2025-04-18. Review status: criteria provided, single submitter. Criteria: ARUP Molecular Germline Variant Investigation Process 2024. Collection method: clinical testing. Allele origin: germline.
Comment: The PRRT2 c.649dup; p.Arg217ProfsTer8 variant (rs587778771; ClinVar ID: 65758) is the most common pathogenic variant reported in individuals affected with PRRT2-associated disorders including paroxysmal kinesigenic dyskinesia, benign familial infantile epilepsy, and infantile convulsions with choreoathetosis (Chen 2011, Ebrahimi-Fakhari 2015, Heron 2012, Liu 2022, Ono 2012). This variant has been reported to segregate with disease in multiple large kindreds and has also been reported to occur de novo in some patients (Chen 2011, Ebrahimi-Fakhari 2015, Heron 2012, Liu 2022, Ono 2012). This variant is found in the general population with an overall allele frequency of 0.31% (514/165,666 alleles) in the Genome Aggregation Database (v2.1.1) but is considered a low confidence variant in the database. This variant causes a frameshift by inserting a single nucleotide, so it is predicted to result in a truncated protein or mRNA subject to nonsense-mediated decay. Based on available information, this variant is considered to be pathogenic. References: Chen WJ et al. Exome sequencing identifies truncating mutations in PRRT2 that cause paroxysmal kinesigenic dyskinesia. Nat Genet. 2011 Nov 20;43(12):1252-5. PMID: 22101681. Ebrahimi-Fakhari D et al. The evolving spectrum of PRRT2-associated paroxysmal diseases. Brain. 2015 Dec;138(Pt 12):3476-95. PMID: 26598493. Heron SE et al. PRRT2 mutations cause benign familial infantile epilepsy and infantile convulsions with choreoathetosis syndrome. Am J Hum Genet. 2012 Jan 13;90(1):152-60. PMID: 22243967. Liu M et al. Clinical characteristics and genetics of ten Chinese children with PRRT2-associated neurological diseases. Front Pediatr. 2022 Nov 17;10:997088. PMID: 36467477. Ono S et al. Mutations in PRRT2 responsible for paroxysmal kinesigenic dyskinesias also cause benign familial infantile convulsions. J Hum Genet. 2012 May;57(5):338-41. PMID: 22399141.